The following is an entry in ClinVar:

NM_005045.4(RELN):c.4403C>G (p.Ala1468Gly)

Gene: RELN (reelin; minus strand). Cytogenetic location: 7q22.1.
Variant type: single nucleotide variant.
Coding change: c.4403C>G on transcript NM_005045.4 (MANE Select); coding-DNA position 4403, C replaced by G.
Protein change: p.Ala1468Gly; replaces alanine 1468 with glycine.
Molecular consequence: missense variant.
Genome position (GRCh38, 1-based): chr7:103,574,200, G>C on the plus strand (C>G on the coding strand, the complement: RELN is on the minus strand). VCF-style: chr7-103574200-G-C. GRCh37 (hg19) VCF-style: chr7-103214647-G-C.
Other names: c.4403C>G (NM_005045.3); c.4403C>G, p.Ala1468Gly (NM_173054.3); short protein forms A1468G.
Identifiers: ClinVar variation 1040114 (VCV001040114.8), dbSNP rs1442056564, ClinGen allele CA368750843.

ClinVar aggregate classification (germline): Conflicting classifications of pathogenicity. Review status: criteria provided, conflicting classifications (1 of 4 stars). 2 submissions from 2 submitters: Uncertain significance (1); Likely benign (1). Last evaluated 2025-08-31.

Conditions:
Norman-Roberts syndrome (LIS2). Also called: Lissencephaly 2 (Norman-Roberts type). Identifiers: Orphanet 89844, MedGen C0796089, MONDO:0009760, OMIM 257320.
Familial temporal lobe epilepsy 7. Identifiers: Orphanet 101046, MedGen C4225327, MONDO:0014639, OMIM 616436.
Inborn genetic diseases. Identifiers: MedGen C0950123, MeSH D030342.

Allele frequency attached by ClinVar (database versions not stated): TOPMed below 0.00001.

Submissions (2):

Ambry Genetics
Classification: Likely benign for Inborn genetic diseases. Last evaluated: 2025-08-31. Review status: criteria provided, single submitter. Criteria: Ambry Variant Classification Scheme 2023. Collection method: clinical testing. Allele origin: germline.

Labcorp Genetics (formerly Invitae), Labcorp
Classification: Uncertain significance for Familial temporal lobe epilepsy 7; Norman-Roberts syndrome. Last evaluated: 2024-04-25. Review status: criteria provided, single submitter. Criteria: Invitae Variant Classification Sherloc (09022015). Collection method: clinical testing. Allele origin: germline.
Comment: This sequence change replaces alanine, which is neutral and non-polar, with glycine, which is neutral and non-polar, at codon 1468 of the RELN protein (p.Ala1468Gly). This variant is not present in population databases (gnomAD no frequency). This variant has not been reported in the literature in individuals affected with RELN-related conditions. ClinVar contains an entry for this variant (Variation ID: 1040114). Advanced modeling of protein sequence and biophysical properties (such as structural, functional, and spatial information, amino acid conservation, physicochemical variation, residue mobility, and thermodynamic stability) performed at Invitae indicates that this missense variant is not expected to disrupt RELN protein function with a negative predictive value of 80%. In summary, the available evidence is currently insufficient to determine the role of this variant in disease. Therefore, it has been classified as a Variant of Uncertain Significance.